The following is an entry in ClinVar:

NM_001844.5(COL2A1):c.3817G>A (p.Glu1273Lys)

Gene: COL2A1 (collagen type II alpha 1 chain; minus strand). Cytogenetic location: 12q13.11.
Variant type: single nucleotide variant.
Coding change: c.3817G>A on transcript NM_001844.5 (MANE Select); coding-DNA position 3817, G replaced by A.
Protein change: p.Glu1273Lys; replaces glutamic acid 1273 with lysine.
Molecular consequence: missense variant.
Genome position (GRCh38, 1-based): chr12:47,975,386, C>T on the plus strand (G>A on the coding strand, the complement: COL2A1 is on the minus strand). VCF-style: chr12-47975386-C-T. GRCh37 (hg19) VCF-style: chr12-48369169-C-T.
Other names: c.3610G>A, p.Glu1204Lys (NM_033150.3); short protein forms E1273K, E1204K.
Identifiers: ClinVar variation 848970 (VCV000848970.16), dbSNP rs778838205, ClinGen allele CA6534636.

ClinVar aggregate classification (germline): Conflicting classifications of pathogenicity. Review status: criteria provided, conflicting classifications (1 of 4 stars). 5 submissions from 5 submitters: Uncertain significance (3); Likely benign (2). Last evaluated 2026-08-31.

Conditions:
COL2A1-related disorder. Also called: COL2A1-related condition; COL2A1-related disorders.
Inborn genetic diseases. Identifiers: MedGen C0950123, MeSH D030342.

Allele frequency attached by ClinVar (database versions not stated): gnomAD 0.00001; TOPMed 0.00001; ExAC 0.00003; gnomAD exomes 0.00003 and 0.00005.
gnomAD v4.1: 70 of 1,614,042 alleles (0.0043%); highest among the groups gnomAD compares: Non-Finnish European, 0.0055%; no homozygotes.

Submissions (5):

PreventionGenetics, part of Exact Sciences
Classification: Uncertain significance for COL2A1-related condition. Last evaluated: 2026-08-31. Review status: criteria provided, single submitter. Criteria: ACMG Guidelines, 2015. Collection method: clinical testing. Allele origin: germline.
Comment: The COL2A1 c.3817G>A variant is predicted to result in the amino acid substitution p.Glu1273Lys. To our knowledge, this variant has not been reported in the literature. This variant is reported in 0.0058% of alleles in individuals of Latino descent in gnomAD. At this time, the clinical significance of this variant is uncertain due to the absence of conclusive functional and genetic evidence.

Labcorp Genetics (formerly Invitae), Labcorp
Classification: Likely benign. Last evaluated: 2025-04-24. Review status: criteria provided, single submitter. Criteria: Invitae Variant Classification Sherloc (09022015). Collection method: clinical testing. Allele origin: germline.

Blueprint Genetics
Classification: Likely benign. Last evaluated: 2023-12-04. Review status: criteria provided, single submitter. Criteria: ACMG Guidelines, 2015. Collection method: clinical testing. Allele origin: germline.

Ambry Genetics
Classification: Uncertain significance for Inborn genetic diseases. Last evaluated: 2023-09-14. Review status: criteria provided, single submitter. Criteria: Ambry Variant Classification Scheme 2023. Collection method: clinical testing. Allele origin: germline.

GeneDx
Classification: Uncertain significance. Last evaluated: 2022-07-05. Review status: criteria provided, single submitter. Criteria: GeneDx Variant Classification Process June 2021. Collection method: clinical testing. Allele origin: germline. Affected: yes.
Comment: Has not been previously published as pathogenic or benign to our knowledge; Not located in the triple helical region, where the majority of pathogenic missense variants occur (HGMD); In silico analysis supports that this missense variant has a deleterious effect on protein structure/function